The following is an entry in ClinVar:

NM_000334.4(SCN4A):c.*1357A>G

Genes: GH-LCR (growth hormone locus control region; plus strand), SCN4A (sodium voltage-gated channel alpha subunit 4; minus strand). Cytogenetic location: 17q23.3.
Variant type: single nucleotide variant.
Coding change: c.*1357A>G on transcript NM_000334.4 (MANE Select); 1357 bases downstream of the stop codon, A replaced by G.
Molecular consequence: 3 prime UTR variant.
Genome position (GRCh38, 1-based): chr17:63,939,414, T>C on the plus strand (A>G on the coding strand, the complement: SCN4A is on the minus strand). VCF-style: chr17-63939414-T-C. GRCh37 (hg19) VCF-style: chr17-62016774-T-C.
Identifiers: ClinVar variation 324481 (VCV000324481.6), dbSNP rs113012761, ClinGen allele CA10650633.

ClinVar aggregate classification (germline): Benign. Review status: criteria provided, multiple submitters, no conflicts (2 of 4 stars). 6 submissions from 2 submitters: Benign (6). Last evaluated 2021-05-16.

Conditions:
Congenital myasthenic syndrome 16. Identifiers: Orphanet 590, MedGen C3280112, MONDO:0013620, OMIM 614198.
Paramyotonia congenita of Von Eulenburg. Also called: Paramyotonia Congenita; PARALYSIS PERIODICA PARAMYOTONICA; Eulenburg disease; Myotonia congenita intermittens; Von Eulenburg paramyotonia congenita. Identifiers: Orphanet 684, MedGen C0221055, MONDO:0008195, OMIM 168300. Disease mechanism: loss of function.
Hyperkalemic periodic paralysis. Also called: Familial hyperkalemic periodic paralysis; Gamstorp disease. Identifiers: Orphanet 682, MedGen C0238357, MONDO:0008224, OMIM 170500, HP:0007215.
Hypokalemic periodic paralysis, type 2 (HOKPP2). Identifiers: Orphanet 681, MedGen C2750061, MONDO:0013234, OMIM 613345.
Potassium-aggravated myotonia. Also called: Myotonia congenita, atypical, acetazolamide-responsive; MYOTONIA CONGENITA, ACETAZOLAMIDE-RESPONSIVE; MYOTONIA CONGENITA, ATYPICAL; SODIUM CHANNEL MUSCLE DISEASE. Identifiers: Orphanet 612, Orphanet 99734, Orphanet 99735, Orphanet 99736, MedGen C2931826, MONDO:0018959, OMIM 608390.

Allele frequency attached by ClinVar (database versions not stated): 1000 Genomes Project 0.05631; gnomAD 0.05531 and 0.05971; 1000 Genomes Project 30x 0.06137; TOPMed 0.06196.

Submissions (6):

GeneDx
Classification: Benign. Last evaluated: 2021-05-16. Review status: criteria provided, single submitter. Criteria: GeneDx Variant Classification Process June 2021. Collection method: clinical testing. Allele origin: germline. Affected: yes.

Illumina Laboratory Services, Illumina
Classification: Benign for Hyperkalemic periodic paralysis. Last evaluated: 2018-01-13. Review status: criteria provided, single submitter. Criteria: ICSL Variant Classification Criteria 13 December 2019. Collection method: clinical testing. Allele origin: germline.
Comment: This variant was observed in the ICSL laboratory as part of a predisposition screen in an ostensibly healthy population. It had not been previously curated by ICSL or reported in the Human Gene Mutation Database (HGMD: prior to June 1st, 2018), and was therefore a candidate for classification through an automated scoring system. Utilizing variant allele frequency, disease prevalence and penetrance estimates, and inheritance mode, an automated score was calculated to assess if this variant is too frequent to cause the disease. Based on the score and internal cut-off values, a variant classified as benign is not then subjected to further curation. The score for this variant resulted in a classification of benign for this disease.

Illumina Laboratory Services, Illumina
Classification: Benign for Hypokalemic periodic paralysis, type 2. Last evaluated: 2018-01-13. Review status: criteria provided, single submitter. Criteria: ICSL Variant Classification Criteria 13 December 2019. Collection method: clinical testing. Allele origin: germline.
Comment: the same text as in the submission from Illumina Laboratory Services, Illumina above.

Illumina Laboratory Services, Illumina
Classification: Benign for Potassium-aggravated myotonia. Last evaluated: 2018-01-13. Review status: criteria provided, single submitter. Criteria: ICSL Variant Classification Criteria 13 December 2019. Collection method: clinical testing. Allele origin: germline.
Comment: the same text as in the submission from Illumina Laboratory Services, Illumina above.

Illumina Laboratory Services, Illumina
Classification: Benign for Congenital myasthenic syndrome 16. Last evaluated: 2018-01-13. Review status: criteria provided, single submitter. Criteria: ICSL Variant Classification Criteria 13 December 2019. Collection method: clinical testing. Allele origin: germline.
Comment: the same text as in the submission from Illumina Laboratory Services, Illumina above.

Illumina Laboratory Services, Illumina
Classification: Benign for Paramyotonia congenita of Von Eulenburg. Last evaluated: 2018-01-13. Review status: criteria provided, single submitter. Criteria: ICSL Variant Classification Criteria 13 December 2019. Collection method: clinical testing. Allele origin: germline.
Comment: the same text as in the submission from Illumina Laboratory Services, Illumina above.